The following is an entry in ClinVar:

NM_004211.5(SLC6A5):c.1093A>G (p.Lys365Glu)

Gene: SLC6A5 (solute carrier family 6 member 5; plus strand). Cytogenetic location: 11p15.1.
Variant type: single nucleotide variant.
Coding change: c.1093A>G on transcript NM_004211.5 (MANE Select); coding-DNA position 1093, A replaced by G.
Protein change: p.Lys365Glu; replaces lysine 365 with glutamic acid.
Molecular consequence: missense variant.
Genome position (GRCh38, 1-based): chr11:20,614,786, A>G. VCF-style: chr11-20614786-A-G. GRCh37 (hg19) VCF-style: chr11-20636332-A-G.
Other names: c.391A>G, p.Lys131Glu (NM_001318369.2); short protein forms K365E, K131E.
Identifiers: ClinVar variation 1483751 (VCV001483751.5), dbSNP rs758953823, ClinGen allele CA5921307.
Genomic context (GRCh38, chr11:20,614,786, plus strand): 5'-ACTTTCTGCATGACCGCTTATCCCAACGTGACAATGGTTAATTTCACCAGCCAGGCCAAT[A>G]AGACATTTGTCAGTGGAAGTGAAGAGTACTTCAAGTAAGATGACTTTCTTTTTCCTTTTT-3'
Protein context (NP_004202.4, residues 355-375): TMVNFTSQAN[Lys365Glu]TFVSGSEEYF

ClinVar aggregate classification (germline): Uncertain significance (1 of 4 stars; one submission).

Conditions:
Hyperekplexia 3 (HKPX3). Also called: HYPEREKPLEXIA 3, AUTOSOMAL RECESSIVE; HYPEREKPLEXIA 3, AUTOSOMAL DOMINANT. Identifiers: Orphanet 3197, MedGen C3553288, MONDO:0013827, OMIM 614618.

Allele frequency attached by ClinVar (database versions not stated): ExAC 0.00002; gnomAD 0.00002; gnomAD exomes 0.00002 and 0.00004; TOPMed 0.00003.
gnomAD v4.1: 64 of 1,613,908 alleles (0.004%); highest among the groups gnomAD compares: Non-Finnish European, 0.0053%; no homozygotes.

Submission:

Labcorp Genetics (formerly Invitae), Labcorp
Classification: Uncertain significance for Hyperekplexia 3. Last evaluated: 2022-02-18. Review status: criteria provided, single submitter. Criteria: Invitae Variant Classification Sherloc (09022015). Collection method: clinical testing. Allele origin: germline.
Comment: This sequence change replaces lysine, which is basic and polar, with glutamic acid, which is acidic and polar, at codon 365 of the SLC6A5 protein (p.Lys365Glu). This variant is present in population databases (rs758953823, gnomAD 0.007%). This variant has not been reported in the literature in individuals affected with SLC6A5-related conditions. Advanced modeling of protein sequence and biophysical properties (such as structural, functional, and spatial information, amino acid conservation, physicochemical variation, residue mobility, and thermodynamic stability) performed at Invitae indicates that this missense variant is not expected to disrupt SLC6A5 protein function. In summary, the available evidence is currently insufficient to determine the role of this variant in disease. Therefore, it has been classified as a Variant of Uncertain Significance.